The following is an entry in ClinVar:

ClinVar aggregate classification (germline): Likely benign. Review status: criteria provided, single submitter (1 of 4 stars). 2 submissions from 2 submitters: Likely benign (1). 1 of the submissions does not count toward it. Last evaluated 2026-01-26.

Conditions:
COL7A1-related disorder. Also called: COL7A1- related disorders; COL7A1-related condition.

Allele frequency attached by ClinVar (database versions not stated): gnomAD 0.00002; gnomAD exomes 0.00004; ExAC 0.00005; ESP Exome Variant Server 0.00008.
gnomAD v4.1: 89 of 1,613,484 alleles (0.0055%); highest among the groups gnomAD compares: Non-Finnish European, 0.0072%; no homozygotes.

Submissions (2):

Labcorp Genetics (formerly Invitae), Labcorp
Classification: Likely benign. Last evaluated: 2026-01-26. Review status: criteria provided, single submitter. Criteria: Invitae Variant Classification Sherloc (09022015). Collection method: clinical testing. Allele origin: germline.

PreventionGenetics, part of Exact Sciences
Classification: Likely benign for COL7A1-related condition. Last evaluated: 2019-12-23. Review status: no assertion criteria provided. Collection method: clinical testing. Allele origin: germline. Not counted in ClinVar's aggregate classification.
Comment: This variant is classified as likely benign based on ACMG/AMP sequence variant interpretation guidelines (Richards et al. 2015 PMID: 25741868, with internal and published modifications).

NM_000094.4(COL7A1):c.2170+10G>C

Gene: COL7A1 (collagen type VII alpha 1 chain; minus strand). Cytogenetic location: 3p21.31.
Variant type: single nucleotide variant.
Coding change: c.2170+10G>C on transcript NM_000094.4 (MANE Select); 10 bases into the intron after coding-DNA position 2170, G replaced by C.
Molecular consequence: intron variant.
Genome position (GRCh38, 1-based): chr3:48,589,589, C>G on the plus strand (G>C on the coding strand, the complement: COL7A1 is on the minus strand). VCF-style: chr3-48589589-C-G. GRCh37 (hg19) VCF-style: chr3-48627022-C-G.
Other names: c.2170+10G>C (NM_000094.3).
Identifiers: ClinVar variation 1100039 (VCV001100039.9), dbSNP rs371117425, ClinGen allele CA2380977.